The following is an entry in ClinVar:

NM_002474.3(MYH11):c.1924G>C (p.Ala642Pro)

Gene: MYH11 (myosin heavy chain 11; minus strand). Cytogenetic location: 16p13.11.
Variant type: single nucleotide variant.
Coding change: c.1924G>C on transcript NM_002474.3 (MANE Select); coding-DNA position 1924, G replaced by C.
Protein change: p.Ala642Pro; replaces alanine 642 with proline.
Molecular consequence: missense variant.
Genome position (GRCh38, 1-based): chr16:15,750,272, C>G on the plus strand (G>C on the coding strand, the complement: MYH11 is on the minus strand). VCF-style: chr16-15750272-C-G. GRCh37 (hg19) VCF-style: chr16-15844129-C-G.
Other names: c.1945G>C, p.Ala649Pro (NM_001040113.2, NM_001040114.2); c.1924G>C, p.Ala642Pro (NM_022844.3); short protein forms A649P, A642P.
Identifiers: ClinVar variation 925657 (VCV000925657.12), dbSNP rs371750065, ClinGen allele CA394869114.

ClinVar aggregate classification (germline): Uncertain significance. Review status: criteria provided, multiple submitters, no conflicts (2 of 4 stars). 4 submissions from 4 submitters: Uncertain significance (4). Last evaluated 2025-01-28.

Conditions:
Familial thoracic aortic aneurysm and aortic dissection (TAAD). Also called: Thoracic aortic aneurysms and dissections. Identifiers: Orphanet 91387, MedGen C4707243, MONDO:0019625.
Aortic aneurysm, familial thoracic 4 (AAT4). Also called: AORTIC ANEURYSM/AORTIC DISSECTION AND PATENT DUCTUS ARTERIOSUS. Identifiers: MedGen C1851504, MONDO:0007568, OMIM 132900.

gnomAD v4.1: 4 of 1,613,908 alleles (0.00025%); highest among the groups gnomAD compares: Admixed American, 0.0017%; no homozygotes.

Submissions (4):

Ambry Genetics
Classification: Uncertain significance for Familial thoracic aortic aneurysm and aortic dissection. Last evaluated: 2025-01-28. Review status: criteria provided, single submitter. Criteria: Ambry Variant Classification Scheme 2023. Collection method: clinical testing. Allele origin: germline.
Comment: The p.A642P variant (also known as c.1924G>C), located in coding exon 15 of the MYH11 gene, results from a G to C substitution at nucleotide position 1924. The alanine at codon 642 is replaced by proline, an amino acid with highly similar properties. This amino acid position is conserved. In addition, the in silico prediction for this alteration is inconclusive. Since supporting evidence is limited at this time, the clinical significance of this alteration remains unclear.

All of Us Research Program, National Institutes of Health
Classification: Uncertain significance for Familial thoracic aortic aneurysm and aortic dissection. Last evaluated: 2024-06-11. Review status: criteria provided, single submitter. Criteria: ACMG Guidelines, 2015. Collection method: clinical testing. Allele origin: germline. Inheritance: Autosomal dominant inheritance. Observed: 3 variant alleles, 3 heterozygotes.
Comment: This missense variant replaces alanine with proline at codon 649 of the MYH11 protein. Computational prediction is inconclusive regarding the impact of this variant on protein structure and function (internally defined REVEL score threshold 0.5 < inconclusive < 0.7, PMID: 27666373). To our knowledge, functional studies have not been reported for this variant. This variant has not been reported in individuals affected with cardiovascular disorders in the literature. This variant has not been identified in the general population by the Genome Aggregation Database (gnomAD). The available evidence is insufficient to determine the role of this variant in disease conclusively. Therefore, this variant is classified as a Variant of Uncertain Significance.

This study involves interpretation of variants in research participants for the purpose of population health screening. Participant phenotype was not available at the time of variant classification. Additional details can be found in publication PMID: 35346344, PMCID: PMC8962531

Labcorp Genetics (formerly Invitae), Labcorp
Classification: Uncertain significance for Aortic aneurysm, familial thoracic 4. Last evaluated: 2024-03-31. Review status: criteria provided, single submitter. Criteria: Invitae Variant Classification Sherloc (09022015). Collection method: clinical testing. Allele origin: germline.
Comment: This sequence change replaces alanine, which is neutral and non-polar, with proline, which is neutral and non-polar, at codon 649 of the MYH11 protein (p.Ala649Pro). This variant is not present in population databases (gnomAD no frequency). This variant has not been reported in the literature in individuals affected with MYH11-related conditions. ClinVar contains an entry for this variant (Variation ID: 925657). Advanced modeling of protein sequence and biophysical properties (such as structural, functional, and spatial information, amino acid conservation, physicochemical variation, residue mobility, and thermodynamic stability) performed at Invitae indicates that this missense variant is not expected to disrupt MYH11 protein function with a negative predictive value of 95%. In summary, the available evidence is currently insufficient to determine the role of this variant in disease. Therefore, it has been classified as a Variant of Uncertain Significance.

Color Diagnostics, LLC DBA Color Health
Classification: Uncertain significance for Familial thoracic aortic aneurysm and aortic dissection. Last evaluated: 2024-03-06. Review status: criteria provided, single submitter. Criteria: ACMG Guidelines, 2015. Collection method: clinical testing. Allele origin: germline.
Comment: This missense variant replaces alanine with proline at codon 649 of the MYH11 protein. Computational prediction is inconclusive regarding the impact of this variant on protein structure and function (internally defined REVEL score threshold 0.5 < inconclusive < 0.7, PMID: 27666373). To our knowledge, functional studies have not been reported for this variant. This variant has not been reported in individuals affected with MYH11-related disorders in the literature. This variant has not been identified in the general population by the Genome Aggregation Database (gnomAD). The available evidence is insufficient to determine the role of this variant in disease conclusively. Therefore, this variant is classified as a Variant of Uncertain Significance.